The following is an entry in ClinVar:

ClinVar aggregate classification (germline): Uncertain significance (1 of 4 stars; one submission).

Conditions:
Myopathy, proximal, and ophthalmoplegia (CMYO6). Also called: MYOPATHY WITH CONGENITAL JOINT CONTRACTURES, OPHTHALMOPLEGIA, AND RIMMED VACUOLES; INCLUSION BODY MYOPATHY 3, AUTOSOMAL DOMINANT; CONGENITAL MYOPATHY 6 WITH OPHTHALMOPLEGIA. Identifiers: Orphanet 363677, Orphanet 79091, MedGen C1854106, MONDO:0011577, OMIM 605637.

gnomAD v4.1: 2 of 1,614,158 alleles (0.00012%); highest among the groups gnomAD compares: Admixed American, 0.0033%; no homozygotes.

Submission:

Labcorp Genetics (formerly Invitae), Labcorp
Classification: Uncertain significance for Myopathy, proximal, and ophthalmoplegia. Last evaluated: 2025-06-26. Review status: criteria provided, single submitter. Criteria: Invitae Variant Classification Sherloc (09022015). Collection method: clinical testing. Allele origin: germline.
Comment: This sequence change replaces alanine, which is neutral and non-polar, with threonine, which is neutral and polar, at codon 1642 of the MYH2 protein (p.Ala1642Thr). This variant is present in population databases (no rsID available, gnomAD 0.003%). This variant has not been reported in the literature in individuals affected with MYH2-related conditions. Invitae Evidence Modeling of protein sequence and biophysical properties (such as structural, functional, and spatial information, amino acid conservation, physicochemical variation, residue mobility, and thermodynamic stability) indicates that this missense variant is not expected to disrupt MYH2 protein function with a negative predictive value of 80%. In summary, the available evidence is currently insufficient to determine the role of this variant in disease. Therefore, it has been classified as a Variant of Uncertain Significance.

NM_017534.6(MYH2):c.4924G>A (p.Ala1642Thr)

Genes: MYHAS (myosin heavy chain gene cluster antisense RNA; plus strand), MYH2 (myosin heavy chain 2; minus strand), LOC126862500 (BRD4-independent group 4 enhancer GRCh37_chr17:10427829-10429028; plus strand). Cytogenetic location: 17p13.1.
Variant type: single nucleotide variant.
Coding change: c.4924G>A on transcript NM_017534.6 (MANE Select); coding-DNA position 4924, G replaced by A.
Protein change: p.Ala1642Thr; replaces alanine 1642 with threonine.
Molecular consequence: missense variant.
Genome position (GRCh38, 1-based): chr17:10,524,804, C>T on the plus strand (G>A on the coding strand, the complement: MYH2 is on the minus strand). VCF-style: chr17-10524804-C-T. GRCh37 (hg19) VCF-style: chr17-10428121-C-T.
Other names: c.4924G>A, p.Ala1642Thr (NM_001100112.2); short protein forms A1642T.
Identifiers: ClinVar variation 4810143 (VCV004810143.1).